The following is an entry in ClinVar:

NM_005660.3(SLC35A2):c.881A>G (p.Asn294Ser)

Gene: SLC35A2 (solute carrier family 35 member A2; minus strand). Cytogenetic location: Xp11.23.
Variant type: single nucleotide variant.
Coding change: c.881A>G on transcript NM_005660.3 (MANE Select); coding-DNA position 881, A replaced by G.
Protein change: p.Asn294Ser; replaces asparagine 294 with serine.
Molecular consequence: missense variant. On other transcripts: intron variant (3).
Genome position (GRCh38, 1-based): chrX:48,905,028, T>C on the plus strand (A>G on the coding strand, the complement: SLC35A2 is on the minus strand). VCF-style: chrX-48905028-T-C. GRCh37 (hg19) VCF-style: chrX-48762305-T-C.
Other names: c.881A>G, p.Asn294Ser (NM_001042498.3); c.698A>G, p.Asn233Ser (NM_001282649.2); c.920A>G, p.Asn307Ser (NM_001282650.2); c.965A>G, p.Asn322Ser (NM_001282651.2); c.427-136A>G (NM_001282647.2, NM_001032289.3); c.355-136A>G (NM_001282648.2); short protein forms N294S, N233S, N307S, N322S.
Identifiers: ClinVar variation 646442 (VCV000646442.13), dbSNP rs1602338059, ClinGen allele CA412894997.

ClinVar aggregate classification (germline): Uncertain significance. Review status: criteria provided, multiple submitters, no conflicts (2 of 4 stars). 2 submissions from 2 submitters: Uncertain significance (2). Last evaluated 2020-01-05.

Conditions:
SLC35A2-congenital disorder of glycosylation. Also called: CONGENITAL DISORDER OF GLYCOSYLATION, TYPE IIm; CDG IIm; CONGENITAL DISORDER OF GLYCOSYLATION, TYPE IIm, SOMATIC MOSAIC; EPILEPTIC ENCEPHALOPATHY, EARLY INFANTILE, 22; DEVELOPMENTAL AND EPILEPTIC ENCEPHALOPATHY 22; SLC35A2-CDG. Identifiers: Orphanet 356961, MedGen C3806688, MONDO:0010478, OMIM 300896.

Allele frequency attached by ClinVar (database versions not stated): gnomAD exomes below 0.00001.

Submissions (2):

Labcorp Genetics (formerly Invitae), Labcorp
Classification: Uncertain significance for SLC35A2-congenital disorder of glycosylation. Last evaluated: 2020-01-05. Review status: criteria provided, single submitter. Criteria: Invitae Variant Classification Sherloc (09022015). Collection method: clinical testing. Allele origin: germline.
Comment: In summary, the available evidence is currently insufficient to determine the role of this variant in disease. Therefore, it has been classified as a Variant of Uncertain Significance. Algorithms developed to predict the effect of missense changes on protein structure and function are either unavailable or do not agree on the potential impact of this missense change (SIFT: "Deleterious"; PolyPhen-2: "Probably Damaging"; Align-GVGD: "Class C15"). This variant has not been reported in the literature in individuals with SLC35A2-related conditions. This variant is not present in population databases (ExAC no frequency). This sequence change replaces asparagine with serine at codon 294 of the SLC35A2 protein (p.Asn294Ser). The asparagine residue is highly conserved and there is a small physicochemical difference between asparagine and serine.

Mayo Clinic Laboratories, Mayo Clinic
Classification: Uncertain significance. Last evaluated: 2019-05-20. Review status: criteria provided, single submitter. Criteria: ACMG Guidelines, 2015. Collection method: clinical testing. Allele origin: germline. Observed: 1 variant allele.